The following is an entry in ClinVar:

NM_007294.4(BRCA1):c.3494T>C (p.Phe1165Ser)

Genes: BRCA1 (BRCA1 DNA repair associated; minus strand), LOC126862571 (BRD4-independent group 4 enhancer GRCh37_chr17:41243136-41244335; plus strand). Cytogenetic location: 17q21.31.
Variant type: single nucleotide variant.
Coding change: c.3494T>C on transcript NM_007294.4 (MANE Select); coding-DNA position 3494, T replaced by C.
Protein change: p.Phe1165Ser; replaces phenylalanine 1165 with serine.
Molecular consequence: missense variant. On other transcripts: intron variant (135).
Genome position (GRCh38, 1-based): chr17:43,092,037, A>G on the plus strand (T>C on the coding strand, the complement: BRCA1 is on the minus strand). VCF-style: chr17-43092037-A-G. GRCh37 (hg19) VCF-style: chr17-41244054-A-G.
Other names: c.452-1005T>C (NM_001408509.1, NM_001408508.1); c.3494T>C, p.Phe1165Ser (NM_001407581.1, NM_001407582.1, NM_001407583.1 and 30 more transcripts); c.575-1005T>C (NM_001408491.1, NM_001408493.1, NM_001408490.1); c.461-1005T>C (NM_001408506.1, NM_001408507.1); c.578-1005T>C (NM_001408481.1, NM_001408480.1, NM_001408492.1 and 9 more transcripts); c.3491T>C, p.Phe1164Ser (NM_001407587.1, NM_001407591.1, NM_001407590.1 and 22 more transcripts); c.662-1005T>C (NM_001408435.1, NM_001408446.1, NM_001408448.1 and 6 more transcripts); c.785-1005T>C (NM_001408401.1, NM_001408396.1, NM_001407985.1 and 13 more transcripts); and 41 more; short protein forms F1037S, F1053S, F1076S, F1077S, F1097S, F1138S, F1164S, F869S.
Identifiers: ClinVar variation 2846188 (VCV002846188.3), dbSNP rs2154308720, ClinGen allele CA10594987.

ClinVar aggregate classification (germline): Uncertain significance (1 of 4 stars; one submission).

Conditions:
Hereditary breast ovarian cancer syndrome. Also called: Hereditary breast and ovarian cancer syndrome (HBOC); Breast and ovarian cancer; BRCA1- and BRCA2-Associated Hereditary Breast and Ovarian Cancer; Hereditary breast and ovarian cancer syndrome; Hereditary breast and ovarian cancer; Hereditary breast and/or ovarian cancer syndrome. Identifiers: Orphanet 145, MedGen C0677776, MeSH D061325, MONDO:0003582. Disease mechanism: loss of function.

Submission:

Labcorp Genetics (formerly Invitae), Labcorp
Classification: Uncertain significance for Hereditary breast ovarian cancer syndrome. Last evaluated: 2023-03-16. Review status: criteria provided, single submitter. Criteria: Invitae Variant Classification Sherloc (09022015). Collection method: clinical testing. Allele origin: germline.
Comment: This sequence change replaces phenylalanine, which is neutral and non-polar, with serine, which is neutral and polar, at codon 1165 of the BRCA1 protein (p.Phe1165Ser). This variant is not present in population databases (gnomAD no frequency). In summary, the available evidence is currently insufficient to determine the role of this variant in disease. Therefore, it has been classified as a Variant of Uncertain Significance. Advanced modeling of protein sequence and biophysical properties (such as structural, functional, and spatial information, amino acid conservation, physicochemical variation, residue mobility, and thermodynamic stability) performed at Invitae indicates that this missense variant is not expected to disrupt BRCA1 protein function. This variant has not been reported in the literature in individuals affected with BRCA1-related conditions.